The following is an entry in ClinVar:

NM_004360.5(CDH1):c.995G>C (p.Gly332Ala)

Gene: CDH1 (cadherin 1; plus strand). Cytogenetic location: 16q22.1.
Variant type: single nucleotide variant.
Coding change: c.995G>C on transcript NM_004360.5 (MANE Select); coding-DNA position 995, G replaced by C.
Protein change: p.Gly332Ala; replaces glycine 332 with alanine.
Molecular consequence: missense variant. On other transcripts: 5 prime UTR variant (2).
Genome position (GRCh38, 1-based): chr16:68,811,846, G>C. VCF-style: chr16-68811846-G-C. GRCh37 (hg19) VCF-style: chr16-68845749-G-C.
Other names: c.995G>C, p.Gly332Ala (NM_001317184.2); c.-621G>C (NM_001317185.2); c.-825G>C (NM_001317186.2); short protein forms G332A.
Identifiers: ClinVar variation 2794272 (VCV002794272.4), dbSNP rs1597894308, ClinGen allele CA396459882.
Genomic context (GRCh38, chr16:68,811,846, plus strand): 5'-CTGACAAAAATATGTTCACCATTAACAGGAACACAGGAGTCATCAGTGTGGTCACCACTG[G>C]GCTGGACCGAGAGGTCAGGGGTCAGGAGGATCCAGAGGGTGTGGAGGACAAATGTGTATT-3'
Protein context (NP_004351.1, residues 322-342): NTGVISVVTT[Gly332Ala]LDRESFPTYT

ClinVar aggregate classification (germline): Uncertain significance. Review status: criteria provided, multiple submitters, no conflicts (2 of 4 stars). 2 submissions from 2 submitters: Uncertain significance (2). Last evaluated 2026-02-20.

Conditions:
Hereditary diffuse gastric adenocarcinoma (HDGC). Also called: DIFFUSE GASTRIC AND LOBULAR BREAST CANCER SYNDROME. Identifiers: Orphanet 26106, MedGen C1708349, MONDO:0007648, OMIM 137215.
Hereditary cancer-predisposing syndrome. Also called: Tumor predisposition; Neoplastic Syndromes, Hereditary; Hereditary Cancer Syndrome; Hereditary neoplastic syndrome. Identifiers: Orphanet 140162, MedGen C0027672, MeSH D009386, MONDO:0015356.

Submissions (2):

Ambry Genetics
Classification: Uncertain significance for Hereditary cancer-predisposing syndrome. Last evaluated: 2026-02-20. Review status: criteria provided, single submitter. Criteria: Ambry Variant Classification Scheme 2023. Collection method: clinical testing. Allele origin: germline.
Comment: The p.G332A variant (also known as c.995G>C), located in coding exon 7 of the CDH1 gene, results from a G to C substitution at nucleotide position 995. The glycine at codon 332 is replaced by alanine, an amino acid with similar properties. This amino acid position is highly conserved in available vertebrate species. In addition, the in silico prediction for this alteration is inconclusive. Based on the available evidence, the clinical significance of this variant remains unclear.

Labcorp Genetics (formerly Invitae), Labcorp
Classification: Uncertain significance for Hereditary diffuse gastric adenocarcinoma. Last evaluated: 2023-07-28. Review status: criteria provided, single submitter. Criteria: Invitae Variant Classification Sherloc (09022015). Collection method: clinical testing. Allele origin: germline.
Comment: This sequence change replaces glycine, which is neutral and non-polar, with alanine, which is neutral and non-polar, at codon 332 of the CDH1 protein (p.Gly332Ala). In summary, the available evidence is currently insufficient to determine the role of this variant in disease. Therefore, it has been classified as a Variant of Uncertain Significance. An algorithm developed to predict the effect of missense changes on protein structure and function (PolyPhen-2) suggests that this variant is likely to be disruptive. This variant has not been reported in the literature in individuals affected with CDH1-related conditions. This variant is not present in population databases (gnomAD no frequency).